The following is an entry in ClinVar:

ClinVar aggregate classification (germline): Conflicting classifications of pathogenicity. Review status: criteria provided, conflicting classifications (1 of 4 stars). 2 submissions from 2 submitters: Uncertain significance (1); Likely benign (1). Last evaluated 2024-09-10.

Conditions:
Severe combined immunodeficiency due to DNA-PKcs deficiency. Also called: IMMUNODEFICIENCY 26 WITH NEUROLOGIC ABNORMALITIES; Immunodeficiency 26 with or without neurologic abnormalities. Identifiers: Orphanet 317425, MedGen C4014833, MONDO:0014423, OMIM 615966.

Allele frequency attached by ClinVar (database versions not stated): gnomAD 0.00001; TOPMed 0.00002; gnomAD exomes 0.00003; ExAC 0.00005.
gnomAD v4.1: 96 of 1,587,314 alleles (0.006%); highest among the groups gnomAD compares: Non-Finnish European, 0.0076%; no homozygotes.

Submissions (2):

Labcorp Genetics (formerly Invitae), Labcorp
Classification: Uncertain significance for Severe combined immunodeficiency due to DNA-PKcs deficiency. Last evaluated: 2024-09-10. Review status: criteria provided, single submitter. Criteria: Invitae Variant Classification Sherloc (09022015). Collection method: clinical testing. Allele origin: germline.
Comment: This sequence change replaces valine, which is neutral and non-polar, with leucine, which is neutral and non-polar, at codon 1452 of the PRKDC protein (p.Val1452Leu). This variant is present in population databases (rs756826348, gnomAD 0.006%). This variant has not been reported in the literature in individuals affected with PRKDC-related conditions. ClinVar contains an entry for this variant (Variation ID: 961318). Invitae Evidence Modeling of protein sequence and biophysical properties (such as structural, functional, and spatial information, amino acid conservation, physicochemical variation, residue mobility, and thermodynamic stability) indicates that this missense variant is not expected to disrupt PRKDC protein function with a negative predictive value of 80%. In summary, the available evidence is currently insufficient to determine the role of this variant in disease. Therefore, it has been classified as a Variant of Uncertain Significance.

Blueprint Genetics
Classification: Likely benign. Last evaluated: 2023-10-26. Review status: criteria provided, single submitter. Criteria: ACMG Guidelines, 2015. Collection method: clinical testing. Allele origin: germline.

NM_006904.7(PRKDC):c.4354G>T (p.Val1452Leu)

Gene: PRKDC (protein kinase, DNA-activated, catalytic subunit; minus strand). Cytogenetic location: 8q11.21.
Variant type: single nucleotide variant.
Coding change: c.4354G>T on transcript NM_006904.7 (MANE Select); coding-DNA position 4354, G replaced by T.
Protein change: p.Val1452Leu; replaces valine 1452 with leucine.
Molecular consequence: missense variant.
Genome position (GRCh38, 1-based): chr8:47,888,577, C>A on the plus strand (G>T on the coding strand, the complement: PRKDC is on the minus strand). VCF-style: chr8-47888577-C-A. GRCh37 (hg19) VCF-style: chr8-48801138-C-A.
Other names: c.4354G>T, p.Val1452Leu (NM_001081640.2); short protein forms V1452L.
Identifiers: ClinVar variation 961318 (VCV000961318.8), dbSNP rs756826348, ClinGen allele CA4740925.